The following is an entry in ClinVar:

ClinVar aggregate classification (germline): Uncertain significance (1 of 4 stars; one submission).

Conditions:
Hereditary breast ovarian cancer syndrome. Also called: Hereditary breast and ovarian cancer syndrome (HBOC); Breast and ovarian cancer; Hereditary breast and/or ovarian cancer syndrome; Hereditary breast and ovarian cancer; BRCA1- and BRCA2-Associated Hereditary Breast and Ovarian Cancer; Hereditary breast and ovarian cancer syndrome. Identifiers: Orphanet 145, MedGen C0677776, MeSH D061325, MONDO:0003582. Disease mechanism: loss of function.

Submission:

Labcorp Genetics (formerly Invitae), Labcorp
Classification: Uncertain significance for Hereditary breast ovarian cancer syndrome. Last evaluated: 2022-01-07. Review status: criteria provided, single submitter. Criteria: Invitae Variant Classification Sherloc (09022015). Collection method: clinical testing. Allele origin: germline.
Comment: In summary, the available evidence is currently insufficient to determine the role of this variant in disease. Therefore, it has been classified as a Variant of Uncertain Significance. This variant has not been reported in the literature in individuals affected with BRCA1-related conditions. This variant results in a copy number gain of the genomic region encompassing exon(s) 9 of the BRCA1 gene. While the exact position of this variant cannot be determined from the data, sub-genic copy number gains are generally in tandem (PMID: 25640679). This variant is predicted to be out-of-frame, and may result in an absent or disrupted protein product. Loss-of-function variants in BRCA1 are expected to be pathogenic (PMID: 20104584). However, an in-frame BRCA1 isoform lacking exons 8 and 9 (also known as exons 9 and 10) is highly expressed in blood from unaffected individuals and in normal breast tissue; this isoform may retain protein function and could functionally rescue loss-of-function variants within exons 8-9 (PMID: 24569164).

Literature cited by the submitters: PubMed 25640679; PubMed 20104584; PubMed 24569164.

NC_000017.10:g.(?_41247843)_(41247959_?)dup

Gene: BRCA1 (BRCA1 DNA repair associated; minus strand). Cytogenetic location: 17q21.31.
Variant type: Duplication.
Identifiers: ClinVar variation 2425718 (VCV002425718.7).